The following is an entry in ClinVar:

NM_000435.3(NOTCH3):c.6334G>A (p.Gly2112Ser)

Gene: NOTCH3 (notch receptor 3; minus strand). Cytogenetic location: 19p13.12.
Variant type: single nucleotide variant.
Coding change: c.6334G>A on transcript NM_000435.3 (MANE Select); coding-DNA position 6334, G replaced by A.
Protein change: p.Gly2112Ser; replaces glycine 2112 with serine.
Molecular consequence: missense variant.
Genome position (GRCh38, 1-based): chr19:15,161,294, C>T on the plus strand (G>A on the coding strand, the complement: NOTCH3 is on the minus strand). VCF-style: chr19-15161294-C-T. GRCh37 (hg19) VCF-style: chr19-15272105-C-T.
Other names: short protein forms G2112S.
Identifiers: ClinVar variation 890163 (VCV000890163.9), dbSNP rs372833545, ClinGen allele CA9262381.

ClinVar aggregate classification (germline): Conflicting classifications of pathogenicity. Review status: criteria provided, conflicting classifications (1 of 4 stars). 4 submissions from 4 submitters: Uncertain significance (2); Likely benign (1). 1 of the submissions does not count toward it. Last evaluated 2025-01-06.

Conditions:
NOTCH3-related disorder. Also called: NOTCH3-related disorders; NOTCH3-related condition.
Cerebral arteriopathy, autosomal dominant, with subcortical infarcts and leukoencephalopathy, type 1 (CADASIL1). Also called: CASIL; Cerebral arteriopathy with subcortical infarcts and leukoencephalopathy 1; CADASIL 1; DEMENTIA, HEREDITARY MULTIINFARCT TYPE. Identifiers: Orphanet 136, MedGen C4551768, MONDO:0000914, OMIM 125310.

Allele frequency attached by ClinVar (database versions not stated): gnomAD 0.00003 and 0.00004; TOPMed 0.00003; ExAC 0.00009; gnomAD exomes 0.00005; ESP Exome Variant Server 0.00018.
gnomAD v4.1: 99 of 1,531,638 alleles (0.0065%); highest among the groups gnomAD compares: East Asian, 0.019%; no homozygotes.

Submissions (4):

Labcorp Genetics (formerly Invitae), Labcorp
Classification: Likely benign. Last evaluated: 2025-01-06. Review status: criteria provided, single submitter. Criteria: Invitae Variant Classification Sherloc (09022015). Collection method: clinical testing. Allele origin: germline.

Athena Diagnostics
Classification: Uncertain significance. Last evaluated: 2024-08-20. Review status: criteria provided, single submitter. Criteria: Athena Diagnostics Criteria. Collection method: clinical testing. Allele origin: unknown.
Comment: Available data are insufficient to determine the clinical significance of the variant at this time. The frequency of this variant in the general population is higher than would generally be expected for pathogenic variants in this gene. Polyphen and MutationTaster predict this amino acid change may be benign. Greater than 90% of NOTCH3 pathogenic variants associated with CADASIL involve the gain or loss of a cysteine residue within the epidermal growth factor (EGF)-like repeat domain (PMID: 32457593, 20301673).

Illumina Laboratory Services, Illumina
Classification: Uncertain significance for Cerebral arteriopathy, autosomal dominant, with subcortical infarcts and leukoencephalopathy, type 1. Last evaluated: 2018-01-13. Review status: criteria provided, single submitter. Criteria: ICSL Variant Classification Criteria 13 December 2019. Collection method: clinical testing. Allele origin: germline.

PreventionGenetics, part of Exact Sciences
Classification: Uncertain significance for NOTCH3-related condition. Last evaluated: 2023-12-27. Review status: no assertion criteria provided. Collection method: clinical testing. Allele origin: germline. Not counted in ClinVar's aggregate classification.
Comment: The NOTCH3 c.6334G>A variant is predicted to result in the amino acid substitution p.Gly2112Ser. This variant was reported in an individual with frontotemporal dementia (Table S2, Kim et al. 2018. PubMed ID: 30054184). Most CADASIL causing variants in the NOTCH3 gene result in the gain or loss of one or more cysteine residues in the extracellular domains of the protein. This variant does not involve a cysteine residue and is not located in an EGF-like domain in the protein. This variant is reported in 0.042% of alleles in individuals of East Asian descent in gnomAD, which is more common than expected for a pathogenic variant. Although we suspect that this variant may be benign, at this time, the clinical significance of this variant is uncertain due to the absence of conclusive functional and genetic evidence.

Literature cited by the submitters: PubMed 30054184 (cited by Athena Diagnostics).